The following is an entry in ClinVar:

NM_001372106.1(DNAH10):c.7331C>T (p.Ala2444Val)

Gene: DNAH10 (dynein axonemal heavy chain 10; plus strand). Cytogenetic location: 12q24.31.
Variant type: single nucleotide variant.
Coding change: c.7331C>T on transcript NM_001372106.1 (MANE Select); coding-DNA position 7331, C replaced by T.
Protein change: p.Ala2444Val; replaces alanine 2444 with valine.
Molecular consequence: missense variant.
Genome position (GRCh38, 1-based): chr12:123,867,931, C>T. VCF-style: chr12-123867931-C-T. GRCh37 (hg19) VCF-style: chr12-124352478-C-T.
Other names: c.6977C>T, p.Ala2326Val (NM_001083900.1, NM_207437.3); short protein forms A2444V, A2326V.
Identifiers: ClinVar variation 2509644 (VCV002509644.5), dbSNP rs767541523, ClinGen allele CA6864487.
Genomic context (GRCh38, chr12:123,867,931, plus strand): 5'-TGGGCTGAACCAGATATTTTCCTGTGAACCAGGTAACCCAGTTAGCCAAGATGTTGGATG[C>T]GTTGCTAGAAGGAGAAATAGAAGACCTTGACCTGCTGGAGTGCTACTTCCTGGAGGCTTT-3'
Protein context (NP_001359035.1, residues 2434-2454): MVTQLAKMLD[Ala2444Val]LLEGEIEDLD

ClinVar aggregate classification (germline): Uncertain significance. Review status: criteria provided, multiple submitters, no conflicts (2 of 4 stars). 2 submissions from 2 submitters: Uncertain significance (2). Last evaluated 2025-10-08.

Conditions:
Spermatogenic failure 56. Identifiers: MedGen C5561978, MONDO:0030430, OMIM 619515.

Allele frequency attached by ClinVar (database versions not stated): gnomAD 0.00001; ExAC 0.00005; gnomAD exomes 0.00002; TOPMed 0.00005.
gnomAD v4.1: 33 of 1,613,502 alleles (0.002%); highest among the groups gnomAD compares: Middle Eastern, 0.066%; no homozygotes.

Submissions (2):

Ambry Genetics
Classification: Uncertain significance. Last evaluated: 2025-10-08. Review status: criteria provided, single submitter. Criteria: Ambry Variant Classification Scheme 2023. Collection method: clinical testing. Allele origin: germline.

Juno Genomics, Hangzhou Juno Genomics, Inc
Classification: Uncertain significance for Spermatogenic failure 56. Review status: criteria provided, single submitter. Criteria: ACMG Guidelines, 2015. Collection method: clinical testing. Allele origin: germline. Affected: yes.
Comment: Absent from controls (or at extremely low frequency if recessive) in Genome Aggregation Database, Exome Sequencing Project, 1000 Genomes Project, or Exome Aggregation Consortium.;Patient's phenotype or family history is highly specific for a disease with a single genetic etiology.